The following is an entry in ClinVar:

ClinVar aggregate classification (germline): Uncertain significance. Review status: criteria provided, multiple submitters, no conflicts (2 of 4 stars). 2 submissions from 2 submitters: Uncertain significance (2). Last evaluated 2025-09-26.

Conditions:
CFI-related disorder. Also called: CFI-related disorders; CFI-related condition. Identifiers: MedGen CN239325.

Submissions (2):

Genomenon, Inc
Classification: Uncertain significance for CFI-related disorder. Last evaluated: 2025-09-26. Review status: criteria provided, single submitter. Criteria: Genomenon Sequence Variant Interpretation Standards - Updated. Collection method: curation. Allele origin: germline. Affected: no.
Comment: CFI p.Lys476Glu (c.1426A>G) is a missense variant that changes the amino acid at residue 476 from Lysine to Glutamic acid. To our knowledge, this variant has not been reported in patients affected with CFI-related disorders in the published literature. Functional studies have been reported; however, the significance of the findings remain unclear (PMID:38852887). It is absent or not present at a significant frequency in gnomAD. In conclusion, we classify CFI p.Lys476Glu (c.1426A>G) as a variant of unknown significance.

Labcorp Genetics (formerly Invitae), Labcorp
Classification: Uncertain significance. Last evaluated: 2024-07-19. Review status: criteria provided, single submitter. Criteria: Invitae Variant Classification Sherloc (09022015). Collection method: clinical testing. Allele origin: germline.
Comment: This sequence change replaces lysine, which is basic and polar, with glutamic acid, which is acidic and polar, at codon 476 of the CFI protein (p.Lys476Glu). This variant is not present in population databases (gnomAD no frequency). This variant has not been reported in the literature in individuals affected with CFI-related conditions. Advanced modeling of protein sequence and biophysical properties (such as structural, functional, and spatial information, amino acid conservation, physicochemical variation, residue mobility, and thermodynamic stability) performed at Invitae indicates that this missense variant is not expected to disrupt CFI protein function with a negative predictive value of 80%. In summary, the available evidence is currently insufficient to determine the role of this variant in disease. Therefore, it has been classified as a Variant of Uncertain Significance.

Literature cited by the submitters: PubMed 38852887 (cited by Genomenon, Inc).

NM_000204.5(CFI):c.1426A>G (p.Lys476Glu)

Gene: CFI (complement factor I; minus strand). Cytogenetic location: 4q25.
Variant type: single nucleotide variant.
Coding change: c.1426A>G on transcript NM_000204.5 (MANE Select); coding-DNA position 1426, A replaced by G.
Protein change: p.Lys476Glu; replaces lysine 476 with glutamic acid.
Molecular consequence: missense variant. On other transcripts: non-coding transcript variant (2).
Genome position (GRCh38, 1-based): chr4:109,746,225, T>C on the plus strand (A>G on the coding strand, the complement: CFI is on the minus strand). VCF-style: chr4-109746225-T-C. GRCh37 (hg19) VCF-style: chr4-110667381-T-C.
Other names: c.1450A>G, p.Lys484Glu (NM_001318057.2, NM_001375278.1); c.1405A>G, p.Lys469Glu (NM_001331035.2, NM_001375280.1, NM_001375282.1); c.1426A>G, p.Lys476Glu (NM_001375279.1, NM_001375281.1); c.1369A>G, p.Lys457Glu (NM_001375283.1); c.817A>G, p.Lys273Glu (NM_001375284.1); short protein forms K484E, K476E, K469E, K273E, K457E.
Identifiers: ClinVar variation 3659943 (VCV003659943.3).